The following is an entry in ClinVar:

ClinVar aggregate classification (germline): Uncertain significance (1 of 4 stars; one submission).

Submission:

GeneDx
Classification: Uncertain significance. Last evaluated: 2024-10-14. Review status: criteria provided, single submitter. Criteria: GeneDx Variant Classification Process June 2021. Collection method: clinical testing. Allele origin: germline. Affected: yes.
Comment: Not observed at significant frequency in large population cohorts (gnomAD); In silico analysis supports that this missense variant has a deleterious effect on protein structure/function; In silico analysis supports a deleterious effect on splicing; Has not been previously published as pathogenic or benign to our knowledge

NM_004171.4(SLC1A2):c.730G>C (p.Gly244Arg)

Gene: SLC1A2 (solute carrier family 1 member 2; minus strand). Cytogenetic location: 11p13.
Variant type: single nucleotide variant.
Coding change: c.730G>C on transcript NM_004171.4 (MANE Select); coding-DNA position 730, G replaced by C.
Protein change: p.Gly244Arg; replaces glycine 244 with arginine.
Molecular consequence: missense variant.
Genome position (GRCh38, 1-based): chr11:35,306,074, C>G on the plus strand (G>C on the coding strand, the complement: SLC1A2 is on the minus strand). VCF-style: chr11-35306074-C-G. GRCh37 (hg19) VCF-style: chr11-35327621-C-G.
Other names: c.703G>C, p.Gly235Arg (NM_001195728.3, NM_001252652.2); short protein forms G235R, G244R.
Identifiers: ClinVar variation 3777348 (VCV003777348.1).